The following is an entry in ClinVar:

ClinVar aggregate classification (germline): Uncertain significance. Review status: criteria provided, multiple submitters, no conflicts (2 of 4 stars). 2 submissions from 2 submitters: Uncertain significance (2). Last evaluated 2025-08-19.

Conditions:
Cardiovascular phenotype. Identifiers: MedGen CN230736.
Familial apolipoprotein C-II deficiency. Also called: APOC2 DEFICIENCY; C-II ANAPOLIPOPROTEINEMIA; HYPERLIPOPROTEINEMIA, TYPE IB. Identifiers: Orphanet 309020, Orphanet 444490, MedGen C1720779, MONDO:0008810, OMIM 207750.

Allele frequency attached by ClinVar (database versions not stated): gnomAD exomes below 0.00001; gnomAD 0.00005; TOPMed 0.00008.
gnomAD v4.1: 10 of 1,613,992 alleles (0.00062%); highest among the groups gnomAD compares: Admixed American, 0.015%; no homozygotes.

Submissions (2):

Ambry Genetics
Classification: Uncertain significance for Cardiovascular phenotype. Last evaluated: 2025-08-19. Review status: criteria provided, single submitter. Criteria: Ambry Variant Classification Scheme 2023. Collection method: clinical testing. Allele origin: germline.
Comment: The p.T23I variant (also known as c.68C>T), located in coding exon 2 of the APOC2 gene, results from a C to T substitution at nucleotide position 68. The threonine at codon 23 is replaced by isoleucine, an amino acid with similar properties. This amino acid position is conserved. In addition, this alteration is predicted to be tolerated by in silico analysis. Since supporting evidence is limited at this time, the clinical significance of this alteration remains unclear.

Fulgent Genetics
Classification: Uncertain significance for Familial apolipoprotein C-II deficiency. Last evaluated: 2024-04-10. Review status: criteria provided, single submitter. Criteria: ACMG Guidelines, 2015. Collection method: clinical testing. Allele origin: germline.

NM_000483.5(APOC2):c.68C>T (p.Thr23Ile)

Genes: APOC2 (apolipoprotein C2; plus strand), APOC4-APOC2 (APOC4-APOC2 readthrough (NMD candidate); plus strand). Cytogenetic location: 19q13.32.
Variant type: single nucleotide variant.
Coding change: c.68C>T on transcript NM_000483.5 (MANE Select); coding-DNA position 68, C replaced by T.
Protein change: p.Thr23Ile; replaces threonine 23 with isoleucine.
Molecular consequence: missense variant. On other transcripts: non-coding transcript variant (1).
Genome position (GRCh38, 1-based): chr19:44,948,713, C>T. VCF-style: chr19-44948713-C-T. GRCh37 (hg19) VCF-style: chr19-45451970-C-T.
Other names: short protein forms T23I.
Identifiers: ClinVar variation 1756057 (VCV001756057.5), dbSNP rs994371401, ClinGen allele CA308875692.